The following is an entry in ClinVar:

NM_017780.4(CHD7):c.8135_8136dup (p.Gly2713fs)

Gene: CHD7 (chromodomain helicase DNA binding protein 7; plus strand). Cytogenetic location: 8q12.2.
Variant type: Microsatellite.
Coding change: c.8135_8136dup on transcript NM_017780.4 (MANE Select); coding-DNA positions 8135 to 8136, 2 bases duplicated (AG; older notation c.8135_8136dupAG).
Protein change: p.Gly2713fs; shifts the reading frame from glycine 2713.
Molecular consequence: frameshift variant.
Genome position (GRCh38, 1-based): chr8:60,865,074-60,865,075, AG duplicated; duplicating any 2 consecutive bases within chr8:60,865,071-60,865,075 gives the same sequence; the c. name uses the placement nearest the transcript's 3' end. VCF-style (leftmost placement, unchanged base first): chr8-60865070-G-GGA. GRCh37 (hg19) VCF-style: chr8-61777629-G-GGA.
Other names: c.8135_8136delinsAGAG (NM_017780.4); c.1988_1989dup, p.Gly664fs (NM_001316690.1); short protein forms G2713fs, G664fs.
Identifiers: ClinVar variation 3912056 (VCV003912056.1).

ClinVar aggregate classification (germline): Likely pathogenic (0 of 4 stars; one submission).

Conditions:
CHARGE syndrome (CHARGE). Also called: Hittner Hirsch Kreh syndrome; CHARGE ASSOCIATION--COLOBOMA, HEART ANOMALY, CHOANAL ATRESIA, RETARDATION, GENITAL AND EAR ANOMALIES; Coloboma, heart anomaly, choanal atresia, retardation, genital and ear anomalies; CHARGE association; Hall-Hittner syndrome. Identifiers: Orphanet 138, MedGen C0265354, MONDO:0008965.

Submission:

Medical Genetics and Prenatal Diagnosis Center, The Third Affiliated Hospital of Zhengzhou University
Classification: Likely pathogenic for CHD7-related CHARGE syndrome. Review status: no assertion criteria provided. Collection method: clinical testing. Allele origin: de novo. Affected: yes.
Comment: This sequence change creates a premature translational stop signal (p.G2713Rfs*35) in the CHD7 gene(PVS1). This variant was not reported in population-based cohorts in the Genome Aggregation Database (gnomAD).(PM2)